The following is an entry in ClinVar:

NM_213599.3(ANO5):c.44A>G (p.Glu15Gly)

Gene: ANO5 (anoctamin 5; plus strand). Cytogenetic location: 11p14.3.
Variant type: single nucleotide variant.
Coding change: c.44A>G on transcript NM_213599.3 (MANE Select); coding-DNA position 44, A replaced by G.
Protein change: p.Glu15Gly; replaces glutamic acid 15 with glycine.
Molecular consequence: missense variant.
Genome position (GRCh38, 1-based): chr11:22,203,807, A>G. VCF-style: chr11-22203807-A-G. GRCh37 (hg19) VCF-style: chr11-22225353-A-G.
Other names: c.44A>G, p.Glu15Gly (NM_001142649.2); short protein forms E15G.
Identifiers: ClinVar variation 283509 (VCV000283509.13), dbSNP rs886042647, ClinGen allele CA10604517.

ClinVar aggregate classification (germline): Conflicting classifications of pathogenicity. Review status: criteria provided, conflicting classifications (1 of 4 stars). 3 submissions from 3 submitters: Uncertain significance (2); Likely benign (1). Last evaluated 2026-01-21.

Conditions:
Gnathodiaphyseal dysplasia (GDD). Also called: GNATHODIAPHYSEAL SCLEROSIS; OSTEOGENESIS IMPERFECTA WITH UNUSUAL SKELETAL LESIONS. Identifiers: Orphanet 53697, MedGen C1833736, MONDO:0008151, OMIM 166260.
Autosomal recessive limb-girdle muscular dystrophy type 2L (LGMDR12). Also called: Limb-girdle muscular dystrophy, type 2L; Limb-Girdle Muscular Dystrophy R12 Anoctamin-5-Related (LGMD-R12); MUSCULAR DYSTROPHY, LIMB-GIRDLE, AUTOSOMAL RECESSIVE 12. Identifiers: Orphanet 206549, MedGen C1969785, MONDO:0012652, OMIM 611307.
Inborn genetic diseases. Identifiers: MedGen C0950123, MeSH D030342.

Allele frequency attached by ClinVar (database versions not stated): gnomAD exomes 0.00001; gnomAD 0.00003; TOPMed 0.00005.
gnomAD v4.1: 20 of 1,463,448 alleles (0.0014%); highest among the groups gnomAD compares: African/African-American, 0.0042%; no homozygotes.

Submissions (3):

Labcorp Genetics (formerly Invitae), Labcorp
Classification: Uncertain significance for Autosomal recessive limb-girdle muscular dystrophy type 2L; Gnathodiaphyseal dysplasia. Last evaluated: 2026-01-21. Review status: criteria provided, single submitter. Criteria: Invitae Variant Classification Sherloc (09022015). Collection method: clinical testing. Allele origin: germline.
Comment: This sequence change replaces glutamic acid, which is acidic and polar, with glycine, which is neutral and non-polar, at codon 15 of the ANO5 protein (p.Glu15Gly). This variant is present in population databases (no rsID available, gnomAD 0.002%). This variant has not been reported in the literature in individuals affected with ANO5-related conditions. ClinVar contains an entry for this variant (Variation ID: 283509). Invitae Evidence Modeling of protein sequence and biophysical properties (such as structural, functional, and spatial information, amino acid conservation, physicochemical variation, residue mobility, and thermodynamic stability) indicates that this missense variant is not expected to disrupt ANO5 protein function with a negative predictive value of 80%. In summary, the available evidence is currently insufficient to determine the role of this variant in disease. Therefore, it has been classified as a Variant of Uncertain Significance.

Ambry Genetics
Classification: Likely benign for Inborn genetic diseases. Last evaluated: 2024-04-09. Review status: criteria provided, single submitter. Criteria: Ambry Variant Classification Scheme 2023. Collection method: clinical testing. Allele origin: germline.

Eurofins Ntd Llc (ga)
Classification: Uncertain significance. Last evaluated: 2015-09-28. Review status: criteria provided, single submitter. Criteria: EGL Classification Definitions 2015. Collection method: clinical testing. Allele origin: germline. Observed: 1 variant allele, 1 heterozygote.